The following is an entry in ClinVar:

ClinVar aggregate classification (germline): Uncertain significance (1 of 4 stars; one submission).

Conditions:
Inborn genetic diseases. Identifiers: MedGen C0950123, MeSH D030342.

gnomAD v4.1: 1 of 1,597,810 alleles (0.000063%); highest among the groups gnomAD compares: Non-Finnish European, 0.000085%; no homozygotes.

Submission:

Ambry Genetics
Classification: Uncertain significance for Inborn genetic diseases. Last evaluated: 2025-03-28. Review status: criteria provided, single submitter. Criteria: Ambry Variant Classification Scheme 2023. Collection method: clinical testing. Allele origin: germline.
Comment: The p.L1569P variant (also known as c.4706T>C), located in coding exon 1 of the SAMD9L gene, results from a T to C substitution at nucleotide position 4706. The leucine at codon 1569 is replaced by proline, an amino acid with similar properties. This amino acid position is conserved. In addition, this alteration is predicted to be deleterious by in silico analysis. Based on the available evidence, the clinical significance of this variant remains unclear.

NM_152703.5(SAMD9L):c.4706T>C (p.Leu1569Pro)

Gene: SAMD9L (sterile alpha motif domain containing 9 like; minus strand). Cytogenetic location: 7q21.2.
Variant type: single nucleotide variant.
Coding change: c.4706T>C on transcript NM_152703.5 (MANE Select); coding-DNA position 4706, T replaced by C.
Protein change: p.Leu1569Pro; replaces leucine 1569 with proline.
Molecular consequence: missense variant.
Genome position (GRCh38, 1-based): chr7:93,131,266, A>G on the plus strand (T>C on the coding strand, the complement: SAMD9L is on the minus strand). VCF-style: chr7-93131266-A-G. GRCh37 (hg19) VCF-style: chr7-92760579-A-G.
Other names: c.4706T>C, p.Leu1569Pro (NM_001303496.3, NM_001303497.3, NM_001303498.3 and 5 more transcripts); short protein forms L1569P.
Identifiers: ClinVar variation 3949777 (VCV003949777.1).